The following is an entry in ClinVar:

NM_012463.4(ATP6V0A2):c.2089G>A (p.Glu697Lys)

Gene: ATP6V0A2 (ATPase H+ transporting V0 subunit a2; plus strand). Cytogenetic location: 12q24.31.
Variant type: single nucleotide variant.
Coding change: c.2089G>A on transcript NM_012463.4 (MANE Select); coding-DNA position 2089, G replaced by A.
Protein change: p.Glu697Lys; replaces glutamic acid 697 with lysine.
Molecular consequence: missense variant.
Genome position (GRCh38, 1-based): chr12:123,752,316, G>A. VCF-style: chr12-123752316-G-A. GRCh37 (hg19) VCF-style: chr12-124236863-G-A.
Other names: short protein forms E697K.
Identifiers: ClinVar variation 3655139 (VCV003655139.2).

ClinVar aggregate classification (germline): Uncertain significance (1 of 4 stars; one submission).

Conditions:
ALG9 congenital disorder of glycosylation (CDG1L). Also called: CDG Il; ALG9-CDG; CONGENITAL DISORDER OF GLYCOSYLATION, TYPE Il. Identifiers: Orphanet 79328, MedGen C2931006, MONDO:0012117, OMIM 608776.

gnomAD v4.1: 1 of 1,614,168 alleles (0.000062%); highest among the groups gnomAD compares: African/African-American, 0.0013%; no homozygotes.

Submission:

Labcorp Genetics (formerly Invitae), Labcorp
Classification: Uncertain significance for ALG9 congenital disorder of glycosylation. Last evaluated: 2024-05-31. Review status: criteria provided, single submitter. Criteria: Invitae Variant Classification Sherloc (09022015). Collection method: clinical testing. Allele origin: germline.
Comment: This sequence change replaces glutamic acid, which is acidic and polar, with lysine, which is basic and polar, at codon 697 of the ATP6V0A2 protein (p.Glu697Lys). This variant is not present in population databases (gnomAD no frequency). This variant has not been reported in the literature in individuals affected with ATP6V0A2-related conditions. An algorithm developed to predict the effect of missense changes on protein structure and function (PolyPhen-2) suggests that this variant is likely to be disruptive. In summary, the available evidence is currently insufficient to determine the role of this variant in disease. Therefore, it has been classified as a Variant of Uncertain Significance.